The following is an entry in ClinVar:

ClinVar aggregate classification (germline): Pathogenic (1 of 4 stars; one submission).

Conditions:
Cerebral cavernous malformation (CCM). Also called: Cerebral cavernous hemangioma (type); CAVERNOUS ANGIOMA, FAMILIAL; CAVERNOUS ANGIOMATOUS MALFORMATIONS; CEREBRAL CAPILLARY MALFORMATIONS; Cavernous Hemangioma of Brain; Cerebral cavernous malformations. Identifiers: Orphanet 221061, MedGen C2919945, MONDO:0000820, OMIM 116860, HP:0033522.

Submission:

Labcorp Genetics (formerly Invitae), Labcorp
Classification: Pathogenic for Cerebral cavernous malformation. Last evaluated: 2020-02-17. Review status: criteria provided, single submitter. Criteria: Invitae Variant Classification Sherloc (09022015). Collection method: clinical testing. Allele origin: germline.
Comment: For these reasons, this variant has been classified as Pathogenic. Loss-of-function variants in KRIT1 are known to be pathogenic (PMID: 10508515, 11222804, 12404106, 24689081). This variant has not been reported in the literature in individuals with KRIT1-related conditions. This variant is a gross deletion of the genomic region encompassing exons 5-7 of the KRIT1 gene, which includes the initiator codon. The 5' end of this event is unknown as it extends beyond the assayed region for this gene and therefore may encompass additional genes. The 3' boundary is likely confined to intron 5 of the KRIT1 gene. This is expected to result in an absent or disrupted protein product.

Literature cited by the submitters: PubMed 10508515; PubMed 11222804; PubMed 12404106; PubMed 24689081.

NC_000007.13:g.(?_91866961)_(91871469_?)del

Gene: KRIT1 (KRIT1 ankyrin repeat containing; minus strand). Cytogenetic location: 7q21.2.
Variant type: Deletion.
Identifiers: ClinVar variation 1074265 (VCV001074265.6).